The following is an entry in ClinVar:

NM_030962.4(SBF2):c.2203C>G (p.Leu735Val)

Genes: SBF2 (SET binding factor 2; minus strand), LOC101928008 (uncharacterized LOC101928008; plus strand). Cytogenetic location: 11p15.4.
Variant type: single nucleotide variant.
Coding change: c.2203C>G on transcript NM_030962.4 (MANE Select); coding-DNA position 2203, C replaced by G.
Protein change: p.Leu735Val; replaces leucine 735 with valine.
Molecular consequence: missense variant.
Genome position (GRCh38, 1-based): chr11:9,856,618, G>C on the plus strand (C>G on the coding strand, the complement: SBF2 is on the minus strand). VCF-style: chr11-9856618-G-C. GRCh37 (hg19) VCF-style: chr11-9878165-G-C.
Other names: c.2203C>G, p.Leu735Val (NM_001386339.1); c.2074C>G, p.Leu692Val (NM_001386342.1); short protein forms L692V, L735V.
Identifiers: ClinVar variation 1807121 (VCV001807121.6), dbSNP rs1262002839, ClinGen allele CA379639036.

ClinVar aggregate classification (germline): Uncertain significance. Review status: criteria provided, multiple submitters, no conflicts (2 of 4 stars). 2 submissions from 2 submitters: Uncertain significance (2). Last evaluated 2021-12-17.

Conditions:
Charcot-Marie-Tooth disease type 4. Also called: Charcot-Marie-Tooth disease, type IV; Charcot-Marie-Tooth, Type 4. Identifiers: Orphanet 64749, MedGen C4082197, MONDO:0018995.

Allele frequency attached by ClinVar (database versions not stated): gnomAD exomes below 0.00001; gnomAD 0.00001; TOPMed 0.00001.
gnomAD v4.1: 3 of 1,614,022 alleles (0.00019%); highest among the groups gnomAD compares: Non-Finnish European, 0.00025%; no homozygotes.

Submissions (2):

Labcorp Genetics (formerly Invitae), Labcorp
Classification: Uncertain significance for Charcot-Marie-Tooth disease type 4. Last evaluated: 2021-12-17. Review status: criteria provided, single submitter. Criteria: Invitae Variant Classification Sherloc (09022015). Collection method: clinical testing. Allele origin: germline.
Comment: In summary, the available evidence is currently insufficient to determine the role of this variant in disease. Therefore, it has been classified as a Variant of Uncertain Significance. Algorithms developed to predict the effect of sequence changes on RNA splicing suggest that this variant may create or strengthen a splice site. Algorithms developed to predict the effect of missense changes on protein structure and function are either unavailable or do not agree on the potential impact of this missense change (SIFT: "Deleterious"; PolyPhen-2: "Probably Damaging"; Align-GVGD: "Class C0"). This variant has not been reported in the literature in individuals affected with SBF2-related conditions. This variant is not present in population databases (gnomAD no frequency). This sequence change replaces leucine, which is neutral and non-polar, with valine, which is neutral and non-polar, at codon 735 of the SBF2 protein (p.Leu735Val).

Athena Diagnostics
Classification: Uncertain significance. Last evaluated: 2021-08-26. Review status: criteria provided, single submitter. Criteria: Athena Diagnostics Criteria. Collection method: clinical testing. Allele origin: unknown.